The following is an entry in ClinVar:

ClinVar aggregate classification (germline): Likely benign. Review status: criteria provided, multiple submitters, no conflicts (2 of 4 stars). 3 submissions from 3 submitters: Likely benign (3). Last evaluated 2025-11-12.

Conditions:
Hereditary cancer-predisposing syndrome. Also called: Tumor predisposition; Neoplastic Syndromes, Hereditary; Hereditary Cancer Syndrome; Hereditary neoplastic syndrome. Identifiers: Orphanet 140162, MedGen C0027672, MeSH D009386, MONDO:0015356.
Juvenile polyposis syndrome (JPS). Identifiers: Orphanet 2929, MedGen C0345893, MONDO:0017380, OMIM 174900.

Allele frequency attached by ClinVar (database versions not stated): gnomAD exomes below 0.00001 and 0.00001; TOPMed 0.00001.
gnomAD v4.1: 7 of 1,612,216 alleles (0.00043%); highest among the groups gnomAD compares: East Asian, 0.0022%; no homozygotes.

Submissions (3):

Labcorp Genetics (formerly Invitae), Labcorp
Classification: Likely benign for Juvenile polyposis syndrome. Last evaluated: 2025-11-12. Review status: criteria provided, single submitter. Criteria: Invitae Variant Classification Sherloc (09022015). Collection method: clinical testing. Allele origin: germline.

Myriad Genetics, Inc.
Classification: Likely benign for Juvenile polyposis syndrome. Last evaluated: 2024-07-31. Review status: criteria provided, single submitter. Criteria: Myriad Autosomal Dominant, Autosomal Recessive and X-Linked Classification Criteria (2023). Collection method: clinical testing. Allele origin: unknown.
Comment: This variant is considered likely benign. This variant is intronic and is not expected to impact mRNA splicing.

Color Diagnostics, LLC DBA Color Health
Classification: Likely benign for Hereditary cancer-predisposing syndrome. Last evaluated: 2016-12-08. Review status: criteria provided, single submitter. Criteria: ACMG Guidelines, 2015. Collection method: clinical testing. Allele origin: germline.

NM_004329.3(BMPR1A):c.68-14A>G

Gene: BMPR1A (bone morphogenetic protein receptor type 1A; plus strand). Cytogenetic location: 10q23.2.
Variant type: single nucleotide variant.
Coding change: c.68-14A>G on transcript NM_004329.3 (MANE Select); 14 bases into the intron before coding-DNA position 68, A replaced by G.
Molecular consequence: intron variant.
Genome position (GRCh38, 1-based): chr10:86,890,048, A>G. VCF-style: chr10-86890048-A-G. GRCh37 (hg19) VCF-style: chr10-88649805-A-G.
Identifiers: ClinVar variation 491012 (VCV000491012.12), dbSNP rs1176229658, ClinGen allele CA595183776.
Genomic context (GRCh38, chr10:86,890,048, plus strand): 5'-TCTCATTGAAAATTGTCACGAAACAATGAGCTTTTCAGAAATGATTTACTTACAAATTCC[A>G]TATTTGAATGCAGGACAGAATCTGGATAGTATGCTTCATGGCACTGGGATGAAATCAGAC-3'